The following is an entry in ClinVar:

NM_002878.4(RAD51D):c.172C>G (p.Leu58Val)

Genes: RAD51D (RAD51 paralog D; minus strand), RAD51L3-RFFL (RAD51L3-RFFL readthrough; minus strand). Cytogenetic location: 17q12.
Variant type: single nucleotide variant.
Coding change: c.172C>G on transcript NM_002878.4 (MANE Select); coding-DNA position 172, C replaced by G.
Protein change: p.Leu58Val; replaces leucine 58 with valine.
Molecular consequence: missense variant. On other transcripts: intron variant (2).
Genome position (GRCh38, 1-based): chr17:35,118,592, G>C on the plus strand (C>G on the coding strand, the complement: RAD51D is on the minus strand). VCF-style: chr17-35118592-G-C. GRCh37 (hg19) VCF-style: chr17-33445611-G-C.
Other names: c.144+519C>G (NM_133629.3, NM_001142571.2); short protein forms L58V.
Identifiers: ClinVar variation 484782 (VCV000484782.5), dbSNP rs1555570286, ClinGen allele CA399091523.

ClinVar aggregate classification (germline): Uncertain significance (1 of 4 stars; one submission).

Conditions:
Hereditary cancer-predisposing syndrome. Also called: Neoplastic Syndromes, Hereditary; Tumor predisposition; Hereditary Cancer Syndrome; Hereditary neoplastic syndrome. Identifiers: Orphanet 140162, MedGen C0027672, MeSH D009386, MONDO:0015356.

Submission:

Ambry Genetics
Classification: Uncertain significance for Hereditary cancer-predisposing syndrome. Last evaluated: 2017-04-11. Review status: criteria provided, single submitter. Criteria: Ambry Variant Classification Scheme 2023. Collection method: clinical testing. Allele origin: germline.
Comment: The p.L58V variant (also known as c.172C>G), located in coding exon 3 of the RAD51D gene, results from a C to G substitution at nucleotide position 172. The leucine at codon 58 is replaced by valine, an amino acid with highly similar properties. This amino acid position is highly conserved in available vertebrate species. In addition, this alteration is predicted to be tolerated by in silico analysis. Since supporting evidence is limited at this time, the clinical significance of this alteration remains unclear.